The following is an entry in ClinVar:

NM_001366385.1(CARD14):c.250G>A (p.Gly84Arg)

Gene: CARD14 (caspase recruitment domain family member 14; plus strand). Cytogenetic location: 17q25.3.
Variant type: single nucleotide variant.
Coding change: c.250G>A on transcript NM_001366385.1 (MANE Select); coding-DNA position 250, G replaced by A.
Protein change: p.Gly84Arg; replaces glycine 84 with arginine.
Molecular consequence: missense variant. On other transcripts: non-coding transcript variant (1).
Genome position (GRCh38, 1-based): chr17:80,182,691, G>A. VCF-style: chr17-80182691-G-A. GRCh37 (hg19) VCF-style: chr17-78156490-G-A.
Other names: c.250G>A, p.Gly84Arg (NM_001257970.1, NM_024110.4); short protein forms G84R.
Identifiers: ClinVar variation 640077 (VCV000640077.11), dbSNP rs193262780, ClinGen allele CA8816376.

ClinVar aggregate classification (germline): Uncertain significance. Review status: criteria provided, multiple submitters, no conflicts (2 of 4 stars). 3 submissions from 3 submitters: Uncertain significance (3). Last evaluated 2024-11-05.

Conditions:
Autoinflammatory syndrome. Identifiers: Orphanet 93665, MedGen C3890737, MONDO:0019751.
Pityriasis rubra pilaris (PRP). Also called: Pityriasis rubra pilaris--familial type. Identifiers: Orphanet 2897, MedGen C0032027, MONDO:0100017, OMIM 173200, MONDO:0008251.
Psoriasis 2. Identifiers: MedGen C1864497, MONDO:0011269, OMIM 602723.

Allele frequency attached by ClinVar (database versions not stated): TOPMed below 0.00001; ExAC 0.00001; gnomAD 0.00001; 1000 Genomes Project 30x 0.00016; 1000 Genomes Project 0.00020.
gnomAD v4.1: 19 of 1,614,118 alleles (0.0012%); highest among the groups gnomAD compares: East Asian, 0.0045%; no homozygotes.

Submissions (3):

Labcorp Genetics (formerly Invitae), Labcorp
Classification: Uncertain significance for Pityriasis rubra pilaris; Psoriasis 2. Last evaluated: 2024-11-05. Review status: criteria provided, single submitter. Criteria: Invitae Variant Classification Sherloc (09022015). Collection method: clinical testing. Allele origin: germline.
Comment: This sequence change replaces glycine, which is neutral and non-polar, with arginine, which is basic and polar, at codon 84 of the CARD14 protein (p.Gly84Arg). This variant is present in population databases (rs193262780, gnomAD 0.004%). This variant has not been reported in the literature in individuals affected with CARD14-related conditions. ClinVar contains an entry for this variant (Variation ID: 640077). Invitae Evidence Modeling of protein sequence and biophysical properties (such as structural, functional, and spatial information, amino acid conservation, physicochemical variation, residue mobility, and thermodynamic stability) has been performed for this missense variant. However, the output from this modeling did not meet the statistical confidence thresholds required to predict the impact of this variant on CARD14 protein function. In summary, the available evidence is currently insufficient to determine the role of this variant in disease. Therefore, it has been classified as a Variant of Uncertain Significance.

Blueprint Genetics
Classification: Uncertain significance. Last evaluated: 2024-09-05. Review status: criteria provided, single submitter. Criteria: ACMG Guidelines, 2015. Collection method: clinical testing. Allele origin: germline.

Genome Diagnostics Laboratory, The Hospital for Sick Children
Classification: Uncertain significance for Autoinflammatory syndrome. Last evaluated: 2016-12-12. Review status: criteria provided, single submitter. Criteria: ACMG Guidelines, 2015. Collection method: clinical testing. Allele origin: germline. Affected: yes.